The following is an entry in ClinVar:

ClinVar aggregate classification (germline): Uncertain significance. Review status: criteria provided, multiple submitters, no conflicts (2 of 4 stars). 6 submissions from 6 submitters: Uncertain significance (5). 1 of the submissions does not count toward it. Last evaluated 2025-09-25.

Conditions:
Familial thoracic aortic aneurysm and aortic dissection (TAAD). Also called: Thoracic aortic aneurysms and dissections. Identifiers: Orphanet 91387, MedGen C4707243, MONDO:0019625.
Classic homocystinuria. Also called: Homocystinuria due to Cystathionine Beta-Synthase Deficiency; Homocystinuria due to CBS deficiency; Cystathionine beta-synthase deficiency; CBS deficiency; HOMOCYSTINURIA WITH OR WITHOUT RESPONSE TO PYRIDOXINE. Identifiers: Orphanet 394, MedGen C0751202, MONDO:0009352, OMIM 236200.
HYPERHOMOCYSTEINEMIA, THROMBOTIC, CBS-RELATED. Identifiers: MedGen C3150344, OMIM 236200.

Allele frequency attached by ClinVar (database versions not stated): ExAC 0.00002; gnomAD exomes 0.00002; gnomAD 0.00006.

Submissions (6):

Mayo Clinic Laboratories, Mayo Clinic
Classification: Uncertain significance. Last evaluated: 2025-09-25. Review status: criteria provided, single submitter. Criteria: ACMG Guidelines, 2015. Collection method: clinical testing. Allele origin: germline. Observed: 1 variant allele.
Comment: PP3_moderate

ARUP Laboratories, Molecular Genetics and Genomics, ARUP Laboratories
Classification: Uncertain significance. Last evaluated: 2025-06-11. Review status: criteria provided, single submitter. Criteria: ARUP Molecular Germline Variant Investigation Process 2024. Collection method: clinical testing. Allele origin: germline.
Comment: The CBS c.1379C>T; p.Thr460Met variant (rs752596508), to our knowledge, is not reported in the medical literature but is reported in ClinVar (Variation ID: 567926). This variant is found in the general population with an overall allele frequency of 0.003% (7/282,704 alleles) in the Genome Aggregation Database (v2.1.1). Computational analyses predict that this variant is deleterious (REVEL: 0.913). However, given the lack of clinical and functional data, the significance of this variant is uncertain at this time.

Ambry Genetics
Classification: Uncertain significance for Familial thoracic aortic aneurysm and aortic dissection. Last evaluated: 2023-10-19. Review status: criteria provided, single submitter. Criteria: Ambry Variant Classification Scheme 2023. Collection method: clinical testing. Allele origin: germline.
Comment: The p.T460M variant (also known as c.1379C>T), located in coding exon 13 of the CBS gene, results from a C to T substitution at nucleotide position 1379. The threonine at codon 460 is replaced by methionine, an amino acid with similar properties. This amino acid position is highly conserved in available vertebrate species. In addition, this alteration is predicted to be deleterious by in silico analysis. Since supporting evidence is limited at this time, the clinical significance of this alteration remains unclear.

Labcorp Genetics (formerly Invitae), Labcorp
Classification: Uncertain significance for HYPERHOMOCYSTEINEMIA, THROMBOTIC, CBS-RELATED. Last evaluated: 2022-10-31. Review status: criteria provided, single submitter. Criteria: Invitae Variant Classification Sherloc (09022015). Collection method: clinical testing. Allele origin: germline.
Comment: This sequence change replaces threonine, which is neutral and polar, with methionine, which is neutral and non-polar, at codon 460 of the CBS protein (p.Thr460Met). This variant is present in population databases (rs752596508, gnomAD 0.01%). This variant has not been reported in the literature in individuals affected with CBS-related conditions. ClinVar contains an entry for this variant (Variation ID: 567926). Advanced modeling of protein sequence and biophysical properties (such as structural, functional, and spatial information, amino acid conservation, physicochemical variation, residue mobility, and thermodynamic stability) performed at Invitae indicates that this missense variant is expected to disrupt CBS protein function. In summary, the available evidence is currently insufficient to determine the role of this variant in disease. Therefore, it has been classified as a Variant of Uncertain Significance.

Illumina Laboratory Services, Illumina
Classification: Uncertain significance for Classic homocystinuria. Last evaluated: 2018-01-12. Review status: criteria provided, single submitter. Criteria: ICSL Variant Classification Criteria 13 December 2019. Collection method: clinical testing. Allele origin: germline.

Natera, Inc.
Classification: Uncertain significance for Homocystinuria due to cystathionine beta-synthase deficiency. Last evaluated: 2020-02-29. Review status: no assertion criteria provided. Collection method: clinical testing. Allele origin: germline. Not counted in ClinVar's aggregate classification.

NM_000071.3(CBS):c.1379C>T (p.Thr460Met)

Gene: CBS (cystathionine beta-synthase; minus strand). Cytogenetic location: 21q22.3.
Variant type: single nucleotide variant.
Coding change: c.1379C>T on transcript NM_000071.3 (MANE Select); coding-DNA position 1379, C replaced by T.
Protein change: p.Thr460Met; replaces threonine 460 with methionine.
Molecular consequence: missense variant.
Genome position (GRCh38, 1-based): chr21:43,058,233, G>A on the plus strand (C>T on the coding strand, the complement: CBS is on the minus strand). VCF-style: chr21-43058233-G-A. GRCh37 (hg19) VCF-style: chr21-44478343-G-A.
Other names: p.Thr460Met; c.1379C>T, p.Thr460Met (NM_001178008.3, NM_001178009.3, NM_001320298.2); c.1064C>T, p.Thr355Met (NM_001321072.1); short protein forms T460M, T355M.
Identifiers: ClinVar variation 567926 (VCV000567926.14), dbSNP rs752596508, ClinGen allele CA321687493.